The following is an entry in ClinVar:

ClinVar aggregate classification (germline): Benign. Review status: criteria provided, multiple submitters, no conflicts (2 of 4 stars). 2 submissions from 2 submitters: Benign (2). Last evaluated 2018-06-16.

Allele frequency attached by ClinVar (database versions not stated): 1000 Genomes Project 30x 0.07854; 1000 Genomes Project 0.07987; TOPMed 0.09089; gnomAD 0.09477 and 0.09513; gnomAD exomes 0.10527.
gnomAD v4.1: 167,715 of 1,607,980 alleles (10%); highest among the groups gnomAD compares: South Asian, 11%; 9,323 homozygotes.

Submissions (2):

GeneDx
Classification: Benign. Last evaluated: 2018-06-16. Review status: criteria provided, single submitter. Criteria: GeneDx Variant Classification (06012015). Collection method: clinical testing. Allele origin: germline. Affected: yes.
Comment: This variant is considered likely benign or benign based on one or more of the following criteria: it is a conservative change, it occurs at a poorly conserved position in the protein, it is predicted to be benign by multiple in silico algorithms, and/or has population frequency not consistent with disease.

Breakthrough Genomics
Classification: Benign. Review status: criteria provided, single submitter. Criteria: ACMG Guidelines, 2015. Collection method: not provided. Allele origin: germline. Inheritance: Autosomal dominant inheritance. Affected: yes.

NM_003072.5(SMARCA4):c.223-53T>C

Gene: SMARCA4 (SWI/SNF related BAF chromatin remodeling complex subunit ATPase 4; plus strand). Cytogenetic location: 19p13.2.
Variant type: single nucleotide variant.
Coding change: c.223-53T>C on transcript NM_003072.5 (MANE Select); 53 bases into the intron before coding-DNA position 223, T replaced by C.
Molecular consequence: intron variant.
Genome position (GRCh38, 1-based): chr19:10,985,220, T>C. VCF-style: chr19-10985220-T-C. GRCh37 (hg19) VCF-style: chr19-11095896-T-C.
Other names: c.223-53T>C (NM_001128844.3, NM_001128849.3, NM_001128847.4 and 5 more transcripts).
Identifiers: ClinVar variation 676509 (VCV000676509.2), dbSNP rs78732262, ClinGen allele CA305286142.